The following is an entry in ClinVar:

NM_001369268.1(ACAN):c.6866G>T (p.Gly2289Val)

Gene: ACAN (aggrecan; plus strand). Cytogenetic location: 15q26.1.
Variant type: single nucleotide variant.
Coding change: c.6866G>T on transcript NM_001369268.1 (MANE Select); coding-DNA position 6866, G replaced by T.
Protein change: p.Gly2289Val; replaces glycine 2289 with valine.
Molecular consequence: missense variant. On other transcripts: intron variant (3).
Genome position (GRCh38, 1-based): chr15:88,860,359, G>T. VCF-style: chr15-88860359-G-T. GRCh37 (hg19) VCF-style: chr15-89403590-G-T.
Other names: c.6866G>T (NM_013227.3); c.6866G>T, p.Gly2289Val (NM_013227.4); c.6832+942G>T (NM_001411097.1, NM_001411096.1, NM_001135.4); short protein forms G2289V.
Identifiers: ClinVar variation 2877814 (VCV002877814.4), dbSNP rs781579675, ClinGen allele CA7720512.

ClinVar aggregate classification (germline): Uncertain significance. Review status: criteria provided, multiple submitters, no conflicts (2 of 4 stars). 2 submissions from 2 submitters: Uncertain significance (2). Last evaluated 2024-06-10.

Conditions:
Inborn genetic diseases. Identifiers: MedGen C0950123, MeSH D030342.

Allele frequency attached by ClinVar (database versions not stated): ExAC 0.00001.
gnomAD v4.1: 4 of 1,613,296 alleles (0.00025%); highest among the groups gnomAD compares: Admixed American, 0.0017%; no homozygotes.

Submissions (2):

Ambry Genetics
Classification: Uncertain significance for Inborn genetic diseases. Last evaluated: 2024-06-10. Review status: criteria provided, single submitter. Criteria: Ambry Variant Classification Scheme 2023. Collection method: clinical testing. Allele origin: germline.

Labcorp Genetics (formerly Invitae), Labcorp
Classification: Uncertain significance. Last evaluated: 2024-01-06. Review status: criteria provided, single submitter. Criteria: Invitae Variant Classification Sherloc (09022015). Collection method: clinical testing. Allele origin: germline.
Comment: This sequence change replaces glycine, which is neutral and non-polar, with valine, which is neutral and non-polar, at codon 2289 of the ACAN protein (p.Gly2289Val). This variant is present in population databases (rs781579675, gnomAD 0.003%). This variant has not been reported in the literature in individuals affected with ACAN-related conditions. An algorithm developed to predict the effect of missense changes on protein structure and function (PolyPhen-2) suggests that this variant is likely to be tolerated. In summary, the available evidence is currently insufficient to determine the role of this variant in disease. Therefore, it has been classified as a Variant of Uncertain Significance.